The following is an entry in ClinVar:

ClinVar aggregate classification (germline): Uncertain significance (1 of 4 stars; one submission).

gnomAD v4.1: 1 of 1,526,430 alleles (0.000066%); highest among the groups gnomAD compares: African/African-American, 0.0014%; no homozygotes.

Submission:

Ambry Genetics
Classification: Uncertain significance. Last evaluated: 2026-08-01. Review status: criteria provided, single submitter. Criteria: Ambry Variant Classification Scheme 2023. Collection method: clinical testing. Allele origin: germline.
Comment: The p.S127W variant (also known as c.380C>G), located in coding exon 1 of the PALLD gene, results from a C to G substitution at nucleotide position 380. The serine at codon 127 is replaced by tryptophan, an amino acid with highly dissimilar properties. This amino acid position is conserved. In addition, this alteration is predicted to be tolerated by in silico analysis. Based on the available evidence, the clinical significance of this variant remains unclear.

NM_001166108.2(PALLD):c.1965-12651C>G

Gene: PALLD (palladin, cytoskeletal associated protein; plus strand). Cytogenetic location: 4q32.3.
Variant type: single nucleotide variant.
Coding change: c.1965-12651C>G on transcript NM_001166108.2 (MANE Select); 12651 bases into the intron before coding-DNA position 1965, C replaced by G.
Molecular consequence: intron variant. On other transcripts: missense variant (1).
Genome position (GRCh38, 1-based): chr4:168,878,271, C>G. VCF-style: chr4-168878271-C-G. GRCh37 (hg19) VCF-style: chr4-169799422-C-G.
Other names: c.380C>G, p.Ser127Trp (NM_001166110.2); c.1965-12651C>G (NM_016081.4); c.819-12651C>G (NM_001166109.2); c.-157-12651C>G (NM_001367570.1, NM_001367568.1, NM_001367567.1 and 1 more transcripts); short protein forms S127W.
Identifiers: ClinVar variation 5026234 (VCV005026234.1).